The following is an entry in ClinVar:

ClinVar aggregate classification (germline): Likely pathogenic (1 of 4 stars; one submission).

Conditions:
DSG1-related disorder. Also called: DSG1-related condition.

Allele frequency attached by ClinVar (database versions not stated): gnomAD 0.00001; TOPMed 0.00001.

Submission:

PreventionGenetics, part of Exact Sciences
Classification: Likely pathogenic for DSG1-related condition. Last evaluated: 2023-02-21. Review status: criteria provided, single submitter. Criteria: ACMG Guidelines, 2015. Collection method: clinical testing. Allele origin: germline.
Comment: The DSG1 c.2041delA variant is predicted to result in premature protein termination (p.Met681*). To our knowledge, this variant has not been reported in the literature or in a large population database, indicating this variant is rare. Nonsense variants in DSG1 are expected to be pathogenic. This variant is interpreted as likely pathogenic.

NM_001942.4(DSG1):c.2041del (p.Ser680_Met681insTer)

Genes: DSG1 (desmoglein 1; plus strand), DSG1-AS1 (DSG1 antisense RNA 1; minus strand). Cytogenetic location: 18q12.1.
Variant type: Deletion.
Coding change: c.2041del on transcript NM_001942.4 (MANE Select); coding-DNA position 2041, one base deleted (A; older notation c.2041delA).
Protein change: p.Ser680_Met681insTer.
Molecular consequence: nonsense.
Genome position (GRCh38, 1-based): chr18:31,346,139, A deleted. VCF-style (leftmost placement, unchanged base first): chr18-31346138-TA-T. GRCh37 (hg19) VCF-style: chr18-28926101-TA-T.
Identifiers: ClinVar variation 2628438 (VCV002628438.1), dbSNP rs1203908934, ClinGen allele CA778379275.